The following is an entry in ClinVar:

ClinVar aggregate classification (germline): Benign/Likely benign. Review status: criteria provided, multiple submitters, no conflicts (2 of 4 stars). 4 submissions from 4 submitters: Benign (2); Likely benign (1). 1 of the submissions does not count toward it. Last evaluated 2024-10-18.

Conditions:
CRIM1-related disorder. Also called: CRIM1-related condition.

Allele frequency attached by ClinVar (database versions not stated): gnomAD exomes 0.00020 and 0.00049; ExAC 0.00067; gnomAD 0.00239 and 0.00253; TOPMed 0.00244; ESP Exome Variant Server 0.00292; 1000 Genomes Project 30x 0.00312; 1000 Genomes Project 0.00319.
gnomAD v4.1: 655 of 1,614,158 alleles (0.041%); highest among the groups gnomAD compares: African/African-American, 0.8%; 3 homozygotes.

Submissions (4):

Blueprint Genetics
Classification: Likely benign. Last evaluated: 2024-10-18. Review status: criteria provided, single submitter. Criteria: ACMG Guidelines, 2015. Collection method: clinical testing. Allele origin: germline.

Labcorp Genetics (formerly Invitae), Labcorp
Classification: Benign. Last evaluated: 2018-04-16. Review status: criteria provided, single submitter. Criteria: Invitae Variant Classification Sherloc (09022015). Collection method: clinical testing. Allele origin: germline.

Breakthrough Genomics
Classification: Benign. Review status: criteria provided, single submitter. Criteria: ACMG Guidelines, 2015. Collection method: not provided. Allele origin: germline. Inheritance: Unknown mechanism. Affected: yes.

PreventionGenetics, part of Exact Sciences
Classification: Benign for CRIM1-related condition. Last evaluated: 2019-10-28. Review status: no assertion criteria provided. Collection method: clinical testing. Allele origin: germline. Not counted in ClinVar's aggregate classification.
Comment: This variant is classified as benign based on ACMG/AMP sequence variant interpretation guidelines (Richards et al. 2015 PMID: 25741868, with internal and published modifications).

NM_016441.3(CRIM1):c.1869C>T (p.His623=)

Gene: CRIM1 (cysteine rich transmembrane BMP regulator 1). Cytogenetic location: 2p22.2.
Variant type: single nucleotide variant.
Coding change: c.1869C>T on transcript NM_016441.3 (MANE Select); coding-DNA position 1869, C replaced by T.
Protein change: p.His623=; no amino-acid change (histidine 623 retained).
Molecular consequence: synonymous variant.
Genome position (GRCh38, 1-based): chr2:36,513,644, C>T. VCF-style: chr2-36513644-C-T. GRCh37 (hg19) VCF-style: chr2-36740787-C-T.
Identifiers: ClinVar variation 723220 (VCV000723220.7), dbSNP rs78900278, ClinGen allele CA1610350.